The following is an entry in ClinVar:

NM_001282225.2(ADA2):c.1081+78G>A

Gene: ADA2 (adenosine deaminase 2; minus strand). Cytogenetic location: 22q11.1.
Variant type: single nucleotide variant.
Coding change: c.1081+78G>A on transcript NM_001282225.2 (MANE Select); 78 bases into the intron after coding-DNA position 1081, G replaced by A.
Molecular consequence: intron variant.
Genome position (GRCh38, 1-based): chr22:17,188,261, C>T on the plus strand (G>A on the coding strand, the complement: ADA2 is on the minus strand). VCF-style: chr22-17188261-C-T. GRCh37 (hg19) VCF-style: chr22-17669151-C-T.
Other names: c.955+78G>A (NM_001282227.2, NM_001282228.2); c.721+78G>A (NM_001282229.2); c.1081+78G>A (NM_001282226.2); c.358+78G>A (NM_177405.3).
Identifiers: ClinVar variation 1249486 (VCV001249486.5), dbSNP rs2231496, ClinGen allele CA14963334.

ClinVar aggregate classification (germline): Benign. Review status: criteria provided, multiple submitters, no conflicts (2 of 4 stars). 3 submissions from 3 submitters: Benign (3). Last evaluated 2023-11-12.

Allele frequency attached by ClinVar (database versions not stated): TOPMed 0.65956; gnomAD 0.66367 and 0.66750; 1000 Genomes Project 30x 0.67239; 1000 Genomes Project 0.67492; gnomAD exomes 0.70342.
gnomAD v4.1: 723,758 of 1,037,612 alleles (70%); highest among the groups gnomAD compares: East Asian, 86%; 253,958 homozygotes.

Submissions (3):

Unidad de Genómica Garrahan, Hospital de Pediatría Garrahan
Classification: Benign. Last evaluated: 2023-11-12. Review status: criteria provided, single submitter. Criteria: ACMG Guidelines, 2015. Collection method: clinical testing. Allele origin: germline. Affected: no. Observed: 80 variant alleles.
Comment: This variant is classified as Benign based on local population frequency. This variant was detected in 83% of patients studied by a panel of primary immunodeficiencies. Number of patients: 80. Only high quality variants are reported.

GeneDx
Classification: Benign. Last evaluated: 2021-05-10. Review status: criteria provided, single submitter. Criteria: GeneDx Variant Classification Process June 2021. Collection method: clinical testing. Allele origin: germline. Affected: yes.

Breakthrough Genomics
Classification: Benign. Review status: criteria provided, single submitter. Criteria: ACMG Guidelines, 2015. Collection method: not provided. Allele origin: germline. Inheritance: Autosomal recessive inheritance. Affected: yes.